The following is an entry in ClinVar:

ClinVar aggregate classification (germline): Uncertain significance (1 of 4 stars; one submission).

Conditions:
DiGeorge syndrome. Also called: THIRD AND FOURTH PHARYNGEAL POUCH SYNDROME; Catch22. Identifiers: Orphanet 567, MedGen C0012236, MONDO:0008564, OMIM 188400.

Submission:

Labcorp Genetics (formerly Invitae), Labcorp
Classification: Uncertain significance for DiGeorge syndrome. Last evaluated: 2024-12-03. Review status: criteria provided, single submitter. Criteria: Invitae Variant Classification Sherloc (09022015). Collection method: clinical testing. Allele origin: germline.
Comment: This variant, c.1404_1406del, results in the deletion of 1 amino acid(s) of the TBX1 protein (p.Ala476del), but otherwise preserves the integrity of the reading frame. The frequency data for this variant in the population databases is considered unreliable, as metrics indicate poor data quality at this position in the gnomAD database. This variant has not been reported in the literature in individuals affected with TBX1-related conditions. Experimental studies and prediction algorithms are not available or were not evaluated, and the functional significance of this variant is currently unknown. In summary, the available evidence is currently insufficient to determine the role of this variant in disease. Therefore, it has been classified as a Variant of Uncertain Significance.

NM_001379200.1(TBX1):c.1422CGC[3] (p.Ala485del)

Gene: TBX1 (T-box transcription factor 1; plus strand). Cytogenetic location: 22q11.21.
Variant type: Microsatellite.
Coding change: c.1422CGC[3] on transcript NM_001379200.1 (MANE Select); three copies in a row of the 3-base unit CGC starting at c.1422; the reference has four copies in a row; one copy, 3 bases deleted.
Protein change: p.Ala485del; deletes alanine 485.
Molecular consequence: intron variant (on NM_005992.1).
Genome position (GRCh38, 1-based): chr22:19,766,783-19,766,785, CGC deleted; deleting any 3 consecutive bases within chr22:19,766,772-19,766,785 gives the same sequence; the position shown is the placement nearest the transcript's 3' end. VCF-style (leftmost placement, unchanged base first): chr22-19766771-GGCC-G. GRCh37 (hg19) VCF-style: chr22-19754294-GGCC-G.
Other names: c.1395CGC[3], p.Ala476del (NM_080647.1); c.1009+770GCC[3] (NM_005992.1, NM_080646.2); short protein forms A476del, A485del.
Identifiers: ClinVar variation 3667831 (VCV003667831.2).